The following is an entry in ClinVar:

NM_052989.3(IFT122):c.3533G>A (p.Arg1178His)

Gene: IFT122 (intraflagellar transport 122; plus strand). Cytogenetic location: 3q22.1.
Variant type: single nucleotide variant.
Coding change: c.3533G>A on transcript NM_052989.3 (MANE Select); coding-DNA position 3533, G replaced by A.
Protein change: p.Arg1178His; replaces arginine 1178 with histidine.
Molecular consequence: missense variant.
Genome position (GRCh38, 1-based): chr3:129,519,629, G>A. VCF-style: chr3-129519629-G-A. GRCh37 (hg19) VCF-style: chr3-129238472-G-A.
Other names: c.3512G>A, p.Arg1171His (NM_001280541.2); c.3083G>A, p.Arg1028His (NM_001280545.2); c.2906G>A, p.Arg969His (NM_001280546.2); c.3356G>A, p.Arg1119His (NM_018262.4); c.3686G>A, p.Arg1229His (NM_052985.4); c.3203G>A, p.Arg1068His (NM_052990.3); short protein forms R1229H, R1171H, R1028H, R1068H, R1119H, R969H, R1178H.
Identifiers: ClinVar variation 343268 (VCV000343268.20), dbSNP rs149029829, ClinGen allele CA2606960.

ClinVar aggregate classification (germline): Likely benign. Review status: criteria provided, multiple submitters, no conflicts (2 of 4 stars). 6 submissions from 6 submitters: Likely benign (4). 2 of the submissions do not count toward it. Last evaluated 2025-07-07.

Conditions:
IFT122-related disorder. Also called: IFT122-related condition.
Microcephaly. Also called: Microcephaly (disease). Identifiers: MedGen C4551563, MONDO:0001149, HP:0000252.
Cranioectodermal dysplasia 1 (CED1). Also called: LEVIN SYNDROME I. Identifiers: Orphanet 1515, MedGen C0432235, MONDO:0021093, OMIM 218330.

Allele frequency attached by ClinVar (database versions not stated): gnomAD 0.00024 and 0.00032; gnomAD exomes 0.00026 and 0.00063; TOPMed 0.00037; ExAC 0.00061; 1000 Genomes Project 30x 0.00141; 1000 Genomes Project 0.00160.
gnomAD v4.1: 430 of 1,613,568 alleles (0.027%); highest among the groups gnomAD compares: East Asian, 0.88%; 3 homozygotes.

Submissions (6):

Labcorp Genetics (formerly Invitae), Labcorp
Classification: Likely benign for Cranioectodermal dysplasia 1. Last evaluated: 2025-07-07. Review status: criteria provided, single submitter. Criteria: Invitae Variant Classification Sherloc (09022015). Collection method: clinical testing. Allele origin: germline.

Blueprint Genetics
Classification: Likely benign. Last evaluated: 2024-10-04. Review status: criteria provided, single submitter. Criteria: ACMG Guidelines, 2015. Collection method: clinical testing. Allele origin: germline.

Illumina Laboratory Services, Illumina
Classification: Likely benign for Cranioectodermal dysplasia 1. Last evaluated: 2018-01-13. Review status: criteria provided, single submitter. Criteria: ICSL Variant Classification Criteria 13 December 2019. Collection method: clinical testing. Allele origin: germline.
Comment: This variant was observed in the ICSL laboratory as part of a predisposition screen in an ostensibly healthy population. It had not been previously curated by ICSL or reported in the Human Gene Mutation Database (HGMD: prior to June 1st, 2018), and was therefore a candidate for classification through an automated scoring system. Utilizing variant allele frequency, disease prevalence and penetrance estimates, and inheritance mode, an automated score was calculated to assess if this variant is too frequent to cause the disease. Based on the score and internal cut-off values, a variant classified as likely benign is not then subjected to further curation. The score for this variant resulted in a classification of likely benign for this disease.

GeneDx
Classification: Likely benign. Last evaluated: 2015-03-03. Review status: criteria provided, single submitter. Criteria: GeneDx Variant Classification Process June 2021. Collection method: clinical testing. Allele origin: germline. Affected: yes.
Comment: See Variant Classification Assertion Criteria.

PreventionGenetics, part of Exact Sciences
Classification: Likely benign for IFT122-related condition. Last evaluated: 2022-05-18. Review status: no assertion criteria provided. Collection method: clinical testing. Allele origin: germline. Not counted in ClinVar's aggregate classification.
Comment: This variant is classified as likely benign based on ACMG/AMP sequence variant interpretation guidelines (Richards et al. 2015 PMID: 25741868, with internal and published modifications).

Department of Pediatrics, Samsung Medical Center, Samsung Medical Center
Classification: Uncertain significance for Microcephaly. Review status: no assertion criteria provided. Criteria: ACMG Guidelines, 2015. Collection method: research. Allele origin: germline. Affected: yes. Not counted in ClinVar's aggregate classification.